The following is an entry in ClinVar:

ClinVar aggregate classification (germline): Uncertain significance (1 of 4 stars; one submission).

Conditions:
Fanconi anemia complementation group J. Also called: BRIP1-Related Fanconi Anemia. Identifiers: Orphanet 84, MedGen C1836860, MONDO:0012187, OMIM 609054.
Familial cancer of breast. Also called: BREAST CANCER, FAMILIAL; Hereditary breast cancer; hereditary breast carcinoma. Identifiers: Orphanet 227535, MedGen C0346153, MONDO:0016419, OMIM 114480. Disease mechanism: loss of function.

Submission:

Labcorp Genetics (formerly Invitae), Labcorp
Classification: Uncertain significance for Familial cancer of breast; Fanconi anemia complementation group J. Last evaluated: 2023-07-19. Review status: criteria provided, single submitter. Criteria: Invitae Variant Classification Sherloc (09022015). Collection method: clinical testing. Allele origin: germline.
Comment: In summary, the available evidence is currently insufficient to determine the role of this variant in disease. Therefore, it has been classified as a Variant of Uncertain Significance. Variants that disrupt the consensus splice site are a relatively common cause of aberrant splicing (PMID: 17576681, 9536098). Studies have shown that this variant is associated with altered splicing resulting in unknown protein product impact (Invitae). This variant has not been reported in the literature in individuals affected with BRIP1-related conditions. This variant is not present in population databases (gnomAD no frequency). This sequence change falls in intron 6 of the BRIP1 gene. It does not directly change the encoded amino acid sequence of the BRIP1 protein. It affects a nucleotide within the consensus splice site.

Literature cited by the submitters: PubMed 17576681; PubMed 9536098.

NM_032043.3(BRIP1):c.627+6T>C

Gene: BRIP1 (BRCA1 interacting DNA helicase 1; minus strand). Cytogenetic location: 17q23.2.
Variant type: single nucleotide variant.
Coding change: c.627+6T>C on transcript NM_032043.3 (MANE Select); 6 bases into the intron after coding-DNA position 627, T replaced by C.
Molecular consequence: intron variant.
Genome position (GRCh38, 1-based): chr17:61,847,095, A>G on the plus strand (T>C on the coding strand, the complement: BRIP1 is on the minus strand). VCF-style: chr17-61847095-A-G. GRCh37 (hg19) VCF-style: chr17-59924456-A-G.
Identifiers: ClinVar variation 2950110 (VCV002950110.3), dbSNP rs2145741440, ClinGen allele CA2740093900.